The following is an entry in ClinVar:

NM_023110.3(FGFR1):c.404C>T (p.Ser135Phe)

Gene: FGFR1 (fibroblast growth factor receptor 1; minus strand). Cytogenetic location: 8p11.23.
Variant type: single nucleotide variant.
Coding change: c.404C>T on transcript NM_023110.3 (MANE Select); coding-DNA position 404, C replaced by T.
Protein change: p.Ser135Phe; replaces serine 135 with phenylalanine.
Molecular consequence: missense variant.
Genome position (GRCh38, 1-based): chr8:38,428,390, G>A on the plus strand (C>T on the coding strand, the complement: FGFR1 is on the minus strand). VCF-style: chr8-38428390-G-A. GRCh37 (hg19) VCF-style: chr8-38285908-G-A.
Other names: c.404C>T, p.Ser135Phe (NM_000604.2, NM_001174063.2, NM_001174065.2 and 4 more transcripts); c.380C>T, p.Ser127Phe (NM_001174064.2); c.137C>T, p.Ser46Phe (NM_001174066.2, NM_001354368.2, NM_001354370.2 and 2 more transcripts); c.503C>T, p.Ser168Phe (NM_001174067.2); short protein forms S168F, S46F, S135F, S127F.
Identifiers: ClinVar variation 2937777 (VCV002937777.3), dbSNP rs767034103, ClinGen allele CA4718755.
Genomic context (GRCh38, chr8:38,428,390, plus strand): 5'-GGAAACAGTGTCTCACGCATACGGTTTGGTTTGGTGTTATCTGTTTCTTTCTCCTCTGAA[G>A]AGGAGTCATCATCATCATCATCATCCTCCGAGGAGGGGAGAGCATCTATGGGAAGAAGAA-3'
Protein context (NP_075598.2, residues 125-145): SEDDDDDDDS[Ser135Phe]SEEKETDNTK

ClinVar aggregate classification (germline): Uncertain significance (1 of 4 stars; one submission).

Conditions:
Hypogonadotropic hypogonadism 2 with or without anosmia (HH2). Also called: FGFR1-Related GnRH Deficiency (Kallmann Syndrome 2); HYPOGONADOTROPIC HYPOGONADISM 2 WITHOUT ANOSMIA; HYPOGONADOTROPIC HYPOGONADISM 2 WITH OR WITHOUT ANOSMIA, SUSCEPTIBILITY TO; HYPOGONADOTROPIC HYPOGONADISM 2 WITHOUT ANOSMIA, SUSCEPTIBILITY TO. Identifiers: Orphanet 478, MedGen C1563720, MONDO:0007844, OMIM 147950. Disease mechanism: loss of function.
Pfeiffer syndrome (ACS5). Also called: ACS V. Identifiers: Orphanet 710, MedGen C0220658, MONDO:0007043, OMIM 101600.

Allele frequency attached by ClinVar (database versions not stated): TOPMed below 0.00001; ExAC 0.00001; gnomAD 0.00001; gnomAD exomes 0.00001.

Submission:

Labcorp Genetics (formerly Invitae), Labcorp
Classification: Uncertain significance for Pfeiffer syndrome; Hypogonadotropic hypogonadism 2 with or without anosmia. Last evaluated: 2025-10-02. Review status: criteria provided, single submitter. Criteria: Invitae Variant Classification Sherloc (09022015). Collection method: clinical testing. Allele origin: germline.
Comment: This sequence change replaces serine, which is neutral and polar, with phenylalanine, which is neutral and non-polar, at codon 135 of the FGFR1 protein (p.Ser135Phe). This variant is present in population databases (rs767034103, gnomAD 0.002%). This variant has not been reported in the literature in individuals affected with FGFR1-related conditions. ClinVar contains an entry for this variant (Variation ID: 2937777). Invitae Evidence Modeling of protein sequence and biophysical properties (such as structural, functional, and spatial information, amino acid conservation, physicochemical variation, residue mobility, and thermodynamic stability) indicates that this missense variant is not expected to disrupt FGFR1 protein function with a negative predictive value of 80%. In summary, the available evidence is currently insufficient to determine the role of this variant in disease. Therefore, it has been classified as a Variant of Uncertain Significance.